The following is an entry in ClinVar:

ClinVar aggregate classification (germline): Likely benign. Review status: criteria provided, single submitter (1 of 4 stars). 2 submissions from 2 submitters: Likely benign (1). 1 of the submissions does not count toward it. Last evaluated 2022-08-20.

Conditions:
Cognitive impairment - coarse facies - heart defects - obesity - pulmonary involvement - short stature - skeletal dysplasia syndrome. Also called: Chops syndrome; AFF4-Related CHOPS Syndrome; COGNITIVE IMPAIRMENT, COARSE FACIES, HEART DEFECTS, OBESITY, PULMONARY INVOLVEMENT, SHORT STATURE, AND SKELETAL DYSPLASIA. Identifiers: Orphanet 444077, MedGen C4085597, MONDO:0014609, OMIM 616368.
AFF4-related disorder. Also called: AFF4-related condition.

Allele frequency attached by ClinVar (database versions not stated): gnomAD 0.00003; TOPMed 0.00003; ExAC 0.00004; ESP Exome Variant Server 0.00015.
gnomAD v4.1: 62 of 1,613,848 alleles (0.0038%); highest among the groups gnomAD compares: South Asian, 0.0099%; 2 homozygotes.

Submissions (2):

Labcorp Genetics (formerly Invitae), Labcorp
Classification: Likely benign for Cognitive impairment - coarse facies - heart defects - obesity - pulmonary involvement - short stature - skeletal dysplasia syndrome. Last evaluated: 2022-08-20. Review status: criteria provided, single submitter. Criteria: Invitae Variant Classification Sherloc (09022015). Collection method: clinical testing. Allele origin: germline.

PreventionGenetics, part of Exact Sciences
Classification: Likely benign for AFF4-related condition. Last evaluated: 2024-04-30. Review status: no assertion criteria provided. Collection method: clinical testing. Allele origin: germline. Not counted in ClinVar's aggregate classification.
Comment: This variant is classified as likely benign based on ACMG/AMP sequence variant interpretation guidelines (Richards et al. 2015 PMID: 25741868, with internal and published modifications).

NM_014423.4(AFF4):c.2016T>C (p.Asn672=)

Gene: AFF4 (ALF transcription elongation factor 4; minus strand). Cytogenetic location: 5q31.1.
Variant type: single nucleotide variant.
Coding change: c.2016T>C on transcript NM_014423.4 (MANE Select); coding-DNA position 2016, T replaced by C.
Protein change: p.Asn672=; no amino-acid change (asparagine 672 retained).
Molecular consequence: synonymous variant.
Genome position (GRCh38, 1-based): chr5:132,896,614, A>G on the plus strand (T>C on the coding strand, the complement: AFF4 is on the minus strand). VCF-style: chr5-132896614-A-G. GRCh37 (hg19) VCF-style: chr5-132232306-A-G.
Other names: c.2016T>C (NM_014423.3).
Identifiers: ClinVar variation 2056821 (VCV002056821.5), dbSNP rs149367340, ClinGen allele CA3409012.